The following is an entry in ClinVar:

NM_001376.5(DYNC1H1):c.6043T>C (p.Phe2015Leu)

Gene: DYNC1H1 (dynein cytoplasmic 1 heavy chain 1; plus strand). Cytogenetic location: 14q32.31.
Variant type: single nucleotide variant.
Coding change: c.6043T>C on transcript NM_001376.5 (MANE Select); coding-DNA position 6043, T replaced by C.
Protein change: p.Phe2015Leu; replaces phenylalanine 2015 with leucine.
Molecular consequence: missense variant.
Genome position (GRCh38, 1-based): chr14:102,009,908, T>C. VCF-style: chr14-102009908-T-C. GRCh37 (hg19) VCF-style: chr14-102476245-T-C.
Other names: short protein forms F2015L.
Identifiers: ClinVar variation 1472485 (VCV001472485.8), dbSNP rs2152577497, ClinGen allele CA391052734.

ClinVar aggregate classification (germline): Uncertain significance (1 of 4 stars; one submission).

Conditions:
Charcot-Marie-Tooth disease axonal type 2O. Also called: CHARCOT-MARIE-TOOTH NEUROPATHY, AXONAL, TYPE 2O; CHARCOT-MARIE-TOOTH DISEASE, AXONAL, AUTOSOMAL DOMINANT, TYPE 2O; Charcot-Marie-Tooth disease, axonal, type 20; Charcot-Marie-Tooth Neuropathy Type 2O. Identifiers: Orphanet 284232, MedGen C3280220, MONDO:0013644, OMIM 614228.

Submission:

Labcorp Genetics (formerly Invitae), Labcorp
Classification: Uncertain significance for Charcot-Marie-Tooth disease axonal type 2O. Last evaluated: 2021-06-03. Review status: criteria provided, single submitter. Criteria: Invitae Variant Classification Sherloc (09022015). Collection method: clinical testing. Allele origin: germline.
Comment: This sequence change replaces phenylalanine with leucine at codon 2015 of the DYNC1H1 protein (p.Phe2015Leu). The phenylalanine residue is highly conserved and there is a small physicochemical difference between phenylalanine and leucine. This variant is not present in population databases (ExAC no frequency). This variant has not been reported in the literature in individuals with DYNC1H1-related conditions. Algorithms developed to predict the effect of missense changes on protein structure and function are either unavailable or do not agree on the potential impact of this missense change (SIFT: "Deleterious"; PolyPhen-2: "Probably Damaging"; Align-GVGD: "Class C0"). In summary, the available evidence is currently insufficient to determine the role of this variant in disease. Therefore, it has been classified as a Variant of Uncertain Significance.